The following is an entry in ClinVar:

ClinVar aggregate classification (germline): Conflicting classifications of pathogenicity. Review status: criteria provided, conflicting classifications (1 of 4 stars). 4 submissions from 4 submitters: Uncertain significance (1); Benign (1); Likely benign (1). 1 of the submissions does not count toward it. Last evaluated 2026-01-19.

Conditions:
CNGB1-related disorder. Also called: CNGB1-related condition.
Retinitis pigmentosa (RP). Identifiers: Orphanet 791, MedGen C0035334, MeSH D012174, MONDO:0019200, OMIM 268000. Inheritance: Autosomal dominant, autosomal recessive and X linked inheritance.

Allele frequency attached by ClinVar (database versions not stated): gnomAD exomes 0.00014 and 0.00067; gnomAD 0.00037 and 0.00038; ExAC 0.00049; TOPMed 0.00054.
gnomAD v4.1: 258 of 1,614,118 alleles (0.016%); highest among the groups gnomAD compares: Admixed American, 0.38%; 3 homozygotes.

Submissions (4):

Labcorp Genetics (formerly Invitae), Labcorp
Classification: Benign. Last evaluated: 2026-01-19. Review status: criteria provided, single submitter. Criteria: Invitae Variant Classification Sherloc (09022015). Collection method: clinical testing. Allele origin: germline.

Blueprint Genetics
Classification: Likely benign. Last evaluated: 2022-11-03. Review status: criteria provided, single submitter. Criteria: ACMG Guidelines, 2015. Collection method: clinical testing. Allele origin: germline.

Illumina Laboratory Services, Illumina
Classification: Uncertain significance for Retinitis pigmentosa. Last evaluated: 2018-01-12. Review status: criteria provided, single submitter. Criteria: ICSL Variant Classification Criteria 13 December 2019. Collection method: clinical testing. Allele origin: germline.

PreventionGenetics, part of Exact Sciences
Classification: Likely benign for CNGB1-related condition. Last evaluated: 2024-09-05. Review status: no assertion criteria provided. Collection method: clinical testing. Allele origin: germline. Not counted in ClinVar's aggregate classification.
Comment: This variant is classified as likely benign based on ACMG/AMP sequence variant interpretation guidelines (Richards et al. 2015 PMID: 25741868, with internal and published modifications).

NM_001297.5(CNGB1):c.2850C>T (p.Ile950=)

Gene: CNGB1 (cyclic nucleotide gated channel subunit beta 1; minus strand). Cytogenetic location: 16q21.
Variant type: single nucleotide variant.
Coding change: c.2850C>T on transcript NM_001297.5 (MANE Select); coding-DNA position 2850, C replaced by T.
Protein change: p.Ile950=; no amino-acid change (isoleucine 950 retained).
Molecular consequence: synonymous variant.
Genome position (GRCh38, 1-based): chr16:57,901,570, G>A on the plus strand (C>T on the coding strand, the complement: CNGB1 is on the minus strand). VCF-style: chr16-57901570-G-A. GRCh37 (hg19) VCF-style: chr16-57935474-G-A.
Other names: c.2832C>T, p.Ile944= (NM_001286130.2).
Identifiers: ClinVar variation 320071 (VCV000320071.15), dbSNP rs563734833, ClinGen allele CA8082801.